The following is an entry in ClinVar:

NC_000011.9:g.(?_532636)_(533632_?)dup

Gene: HRAS (HRas proto-oncogene, GTPase; minus strand). Cytogenetic location: 11p15.5.
Variant type: Duplication.
Identifiers: ClinVar variation 3244592 (VCV003244592.1).

ClinVar aggregate classification (germline): Uncertain significance (1 of 4 stars; one submission).

Conditions:
Costello syndrome (CSTLO). Also called: FACIOCUTANEOSKELETAL SYNDROME; HRAS-Related Costello Syndrome; FCS SYNDROME. Identifiers: Orphanet 3071, MedGen C0587248, MONDO:0009026, OMIM 218040.

Submission:

Labcorp Genetics (formerly Invitae), Labcorp
Classification: Uncertain significance for Costello syndrome. Last evaluated: 2023-12-18. Review status: criteria provided, single submitter. Criteria: Invitae Variant Classification Sherloc (09022015). Collection method: clinical testing. Allele origin: unknown.
Comment: This variant results in a copy number gain of the genomic region encompassing exon(s) 4-5 of the HRAS gene. This region includes the termination codon of the gene. This copy number gain extends beyond the assayed region for this gene and therefore may encompass additional genes. As the precise location of this event is unknown, it may be in tandem or it may be located elsewhere in the genome. This variant has not been reported in the literature in individuals affected with HRAS-related conditions. In summary, the available evidence is currently insufficient to determine the role of this variant in disease. Therefore, it has been classified as a Variant of Uncertain Significance.